The following is an entry in ClinVar:

ClinVar aggregate classification (germline): Likely pathogenic. Review status: criteria provided, multiple submitters, no conflicts (2 of 4 stars). 3 submissions from 3 submitters: Likely pathogenic (2). 1 of the submissions does not count toward it. Last evaluated 2023-05-01.

Conditions:
Familial adenomatous polyposis 1 (FAP1). Also called: POLYPOSIS, ADENOMATOUS INTESTINAL; FAMILIAL ADENOMATOUS POLYPOSIS 1, ATTENUATED. Identifiers: MedGen C2713442, MONDO:0021056, OMIM 175100. Disease mechanism: loss of function.
Hereditary cancer-predisposing syndrome. Also called: Hereditary Cancer Syndrome; Neoplastic Syndromes, Hereditary; Tumor predisposition; Hereditary neoplastic syndrome. Identifiers: Orphanet 140162, MedGen C0027672, MeSH D009386, MONDO:0015356.

Submissions (3):

Myriad Genetics, Inc.
Classification: Likely pathogenic for Familial adenomatous polyposis 1. Last evaluated: 2023-05-01. Review status: criteria provided, single submitter. Criteria: Myriad Autosomal Dominant, Autosomal Recessive and X-Linked Classification Criteria (2023). Collection method: clinical testing. Allele origin: unknown.
Comment: This variant is considered likely pathogenic. This variant occurs within a consensus splice junction and is predicted to result in abnormal mRNA splicing of either an out-of-frame exon or an in-frame exon necessary for protein stability and/or normal function.

Color Diagnostics, LLC DBA Color Health
Classification: Likely pathogenic for Hereditary cancer-predisposing syndrome. Last evaluated: 2020-02-25. Review status: criteria provided, single submitter. Criteria: ACMG Guidelines, 2015. Collection method: clinical testing. Allele origin: germline.
Comment: This variant causes an A>T nucleotide substitution at the -2 position of intron 11 of the APC gene. Splice site prediction tools predict that this variant may have a significant impact on RNA splicing. To our knowledge, functional studies have not been reported for this variant. This variant has not been reported in individuals affected with hereditary cancer in the literature. This variant has not been identified in the general population by the Genome Aggregation Database (gnomAD). Loss of APC function is a known mechanism of disease. Based on the available evidence, this variant is classified as Likely Pathogenic.

Department of Pathology and Laboratory Medicine, Sinai Health System
Classification: Pathogenic. Review status: no assertion criteria provided. Collection method: clinical testing. Allele origin: unknown. Affected: yes. Study: The Canadian Open Genetics Repository (COGR). Not counted in ClinVar's aggregate classification.
Comment: The APC c.1409-2A>T variant was not identified in the literature nor was it identified in dbSNP, ClinVar, GeneInsight-COGR, Cosmic, MutDB, UMD-LSDB, Insight Colon Cancer Gene Variant Database, Zhejiang Colon Cancer Database, the 1000 Genomes Project, the NHLBI GO Exome Sequencing Project, the Exome Aggregation Consortium (August 8th 2016), or the Genome Aggregation Database (Feb 27, 2017). The c.1409-2A>T variant is predicted to cause abnormal splicing because the nucleotide substitution occurs in the invariant region of the splice consensus sequence. In addition, 5 of 5 in silico or computational prediction software programs (SpliceSiteFinder, MaxEntScan, NNSPLICE, GeneSplicer, HumanSpliceFinder) predict a greater than 10% difference in splicing. In summary, based on the above information this variant meets our laboratoryâ€šÃ„Ã´s criteria to be classified as pathogenic.

NM_000038.6(APC):c.1409-2A>T

Gene: APC (APC regulator of Wnt signaling pathway; plus strand). Cytogenetic location: 5q22.2.
Variant type: single nucleotide variant.
Coding change: c.1409-2A>T on transcript NM_000038.6 (MANE Select); the canonical splice acceptor site of the intron before coding-DNA position 1409, A replaced by T.
Molecular consequence: splice acceptor variant.
Genome position (GRCh38, 1-based): chr5:112,827,106, A>T. VCF-style: chr5-112827106-A-T. GRCh37 (hg19) VCF-style: chr5-112162803-A-T.
Other names: c.1106-2A>T (NM_001407460.1, NM_001407458.1, NM_001407459.1 and 1 more transcripts); c.1379-2A>T (NM_001407452.1); c.1022-2A>T (NM_001407469.1, NM_001407467.1); c.1493-2A>T (NM_001407446.1); c.1439-2A>T (NM_001354897.2); c.1136-2A>T (NM_001354902.2); c.1355-2A>T (NM_001127511.3); c.1463-2A>T (NM_001407448.1, NM_001407449.1, NM_001354896.2 and 1 more transcripts); and 11 more.
Identifiers: ClinVar variation 490202 (VCV000490202.8), dbSNP rs1064794163, ClinGen allele CA360619889.